The following is an entry in ClinVar:

NM_024675.4(PALB2):c.1744T>G (p.Ser582Ala)

Gene: PALB2 (partner and localizer of BRCA2; minus strand). Cytogenetic location: 16p12.2.
Variant type: single nucleotide variant.
Coding change: c.1744T>G on transcript NM_024675.4 (MANE Select); coding-DNA position 1744, T replaced by G.
Protein change: p.Ser582Ala; replaces serine 582 with alanine.
Molecular consequence: missense variant. On other transcripts: 5 prime UTR variant (2), intron variant (1).
Genome position (GRCh38, 1-based): chr16:23,630,410, A>C on the plus strand (T>G on the coding strand, the complement: PALB2 is on the minus strand). VCF-style: chr16-23630410-A-C. GRCh37 (hg19) VCF-style: chr16-23641731-A-C.
Other names: c.1684T>G, p.Ser562Ala (NM_001407296.1); c.1744T>G, p.Ser582Ala (NM_001407297.1, NM_001407298.1, NM_001407299.1 and 3 more transcripts); c.859T>G, p.Ser287Ala (NM_001407304.1, NM_001407305.1, NM_001407306.1 and 5 more transcripts); c.-45T>G (NM_001407312.1, NM_001407313.1); c.49-1135T>G (NM_001407314.1); short protein forms S287A, S562A, S582A.
Identifiers: ClinVar variation 3648596 (VCV003648596.2).
Genomic context (GRCh38, chr16:23,630,410, plus strand): 5'-GCTTTAAACTCAGCATTCCATCCCTATGAAATGGAGCCGTGAAAGCATCATCATCCAAGG[A>C]TAAATAAGCACTATTACTCCAAGAAAGGGAATCCTCTTTTTGATGACGACTTTTCTTCCC-3'
Protein context (NP_078951.2, residues 572-592): SLSWSNSAYL[Ser582Ala]LDDDAFTAPF

ClinVar aggregate classification (germline): Uncertain significance (1 of 4 stars; one submission).

Conditions:
Familial cancer of breast. Also called: hereditary breast carcinoma; BREAST CANCER, FAMILIAL; Hereditary breast cancer. Identifiers: Orphanet 227535, MedGen C0346153, MONDO:0016419, OMIM 114480. Disease mechanism: loss of function.

Submission:

Labcorp Genetics (formerly Invitae), Labcorp
Classification: Uncertain significance for Familial cancer of breast. Last evaluated: 2024-04-03. Review status: criteria provided, single submitter. Criteria: Invitae Variant Classification Sherloc (09022015). Collection method: clinical testing. Allele origin: germline.
Comment: This sequence change replaces serine, which is neutral and polar, with alanine, which is neutral and non-polar, at codon 582 of the PALB2 protein (p.Ser582Ala). This variant is not present in population databases (gnomAD no frequency). This variant has not been reported in the literature in individuals affected with PALB2-related conditions. Advanced modeling of protein sequence and biophysical properties (such as structural, functional, and spatial information, amino acid conservation, physicochemical variation, residue mobility, and thermodynamic stability) performed at Invitae indicates that this missense variant is not expected to disrupt PALB2 protein function with a negative predictive value of 80%. In summary, the available evidence is currently insufficient to determine the role of this variant in disease. Therefore, it has been classified as a Variant of Uncertain Significance.